The following is an entry in ClinVar:

NM_001134407.3(GRIN2A):c.401T>A (p.Ile134Asn)

Gene: GRIN2A (glutamate ionotropic receptor NMDA type subunit 2A; minus strand). Cytogenetic location: 16p13.2.
Variant type: single nucleotide variant.
Coding change: c.401T>A on transcript NM_001134407.3 (MANE Select); coding-DNA position 401, T replaced by A.
Protein change: p.Ile134Asn; replaces isoleucine 134 with asparagine.
Molecular consequence: missense variant.
Genome position (GRCh38, 1-based): chr16:10,180,011, A>T on the plus strand (T>A on the coding strand, the complement: GRIN2A is on the minus strand). VCF-style: chr16-10180011-A-T. GRCh37 (hg19) VCF-style: chr16-10273868-A-T.
Other names: c.401T>A, p.Ile134Asn (NM_000833.5, NM_001134408.2); c.401T>A (NM_000833.4); short protein forms I134N.
Identifiers: ClinVar variation 1695671 (VCV001695671.3), dbSNP rs2142387383, ClinGen allele CA394715089.
Genomic context (GRCh38, chr16:10,180,011, plus strand): 5'-GCTGGTGGCTTCCCAGGTCCTGGCAGGGCATCAGTTTCCGGCCTTACCTTGTCAGCCATG[A>T]TCATAGATGCGCCCCCATGAATGCCCAAGATGGGGACGAAGGTGTGGGAGGAGATAAAAT-3'
Protein context (NP_001127879.1, residues 124-144): ILGIHGGASM[Ile134Asn]MADKDPTSTF

ClinVar aggregate classification (germline): Uncertain significance. Review status: criteria provided, single submitter (1 of 4 stars). 2 submissions from 2 submitters: Uncertain significance (1). 1 of the submissions does not count toward it. Last evaluated 2022-01-07.

Conditions:
GRIN2A-related complex neurodevelopmental disorder. Also called: GRIN2A-related condition; GRIN2A-related disorder. Identifiers: MedGen CN379781, MONDO:1060139.

Submissions (2):

GeneDx
Classification: Uncertain significance. Last evaluated: 2022-01-07. Review status: criteria provided, single submitter. Criteria: GeneDx Variant Classification Process June 2021. Collection method: clinical testing. Allele origin: germline. Affected: yes.
Comment: Not observed at significant frequency in large population cohorts (gnomAD); In silico analysis supports that this missense variant has a deleterious effect on protein structure/function; Has not been previously published as pathogenic or benign to our knowledge

PreventionGenetics, part of Exact Sciences
Classification: Uncertain significance for GRIN2A-related condition. Last evaluated: 2024-09-12. Review status: no assertion criteria provided. Collection method: clinical testing. Allele origin: germline. Not counted in ClinVar's aggregate classification.
Comment: The GRIN2A c.401T>A variant is predicted to result in the amino acid substitution p.Ile134Asn. To our knowledge, this variant has not been reported in the literature or in a large population database, indicating this variant is rare. At this time, the clinical significance of this variant is uncertain due to the absence of conclusive functional and genetic evidence.